The following is an entry in ClinVar:

NM_004990.4(MARS1):c.188G>A (p.Ser63Asn)

Gene: MARS1 (methionyl-tRNA synthetase 1; plus strand). Cytogenetic location: 12q13.3.
Variant type: single nucleotide variant.
Coding change: c.188G>A on transcript NM_004990.4 (MANE Select); coding-DNA position 188, G replaced by A.
Protein change: p.Ser63Asn; replaces serine 63 with asparagine.
Molecular consequence: missense variant.
Genome position (GRCh38, 1-based): chr12:57,489,097, G>A. VCF-style: chr12-57489097-G-A. GRCh37 (hg19) VCF-style: chr12-57882880-G-A.
Other names: short protein forms S63N.
Identifiers: ClinVar variation 1681676 (VCV001681676.6), dbSNP rs932854507, ClinGen allele CA237806882.

ClinVar aggregate classification (germline): Uncertain significance (1 of 4 stars; one submission).

Conditions:
Charcot-Marie-Tooth disease axonal type 2U. Also called: CHARCOT-MARIE-TOOTH NEUROPATHY, TYPE 2U; CHARCOT-MARIE-TOOTH DISEASE, AXONAL, AUTOSOMAL DOMINANT, TYPE 2U. Identifiers: Orphanet 397735, MedGen C4084821, MONDO:0014566, OMIM 616280.
Severe early-onset pulmonary alveolar proteinosis due to MARS deficiency. Also called: PULMONARY ALVEOLAR PROTEINOSIS, REUNION ISLAND; Interstitial lung and liver disease. Identifiers: Orphanet 440427, MedGen C4225400, MONDO:0014206, OMIM 615486.

Allele frequency attached by ClinVar (database versions not stated): gnomAD exomes below 0.00001; gnomAD 0.00001; TOPMed 0.00002.
gnomAD v4.1: 9 of 1,613,666 alleles (0.00056%); highest among the groups gnomAD compares: African/African-American, 0.0027%; no homozygotes.

Submission:

Labcorp Genetics (formerly Invitae), Labcorp
Classification: Uncertain significance for Charcot-Marie-Tooth disease axonal type 2U; Severe early-onset pulmonary alveolar proteinosis due to MARS deficiency. Last evaluated: 2025-04-20. Review status: criteria provided, single submitter. Criteria: Invitae Variant Classification Sherloc (09022015). Collection method: clinical testing. Allele origin: germline.
Comment: This sequence change replaces serine, which is neutral and polar, with asparagine, which is neutral and polar, at codon 63 of the MARS protein (p.Ser63Asn). This variant is present in population databases (no rsID available, gnomAD 0.007%). This variant has not been reported in the literature in individuals affected with MARS-related conditions. ClinVar contains an entry for this variant (Variation ID: 1681676). An algorithm developed to predict the effect of missense changes on protein structure and function outputs the following: PolyPhen-2: "Benign". The asparagine amino acid residue is found in multiple mammalian species, which suggests that this missense change does not adversely affect protein function. In summary, the available evidence is currently insufficient to determine the role of this variant in disease. Therefore, it has been classified as a Variant of Uncertain Significance.